The following is an entry in ClinVar:

NM_004714.3(DYRK1B):c.1302G>A (p.Thr434=)

Gene: DYRK1B (dual specificity tyrosine phosphorylation regulated kinase 1B; minus strand). Cytogenetic location: 19q13.2.
Variant type: single nucleotide variant.
Coding change: c.1302G>A on transcript NM_004714.3 (MANE Select); coding-DNA position 1302, G replaced by A.
Protein change: p.Thr434=; no amino-acid change (threonine 434 retained).
Molecular consequence: synonymous variant.
Genome position (GRCh38, 1-based): chr19:39,826,781, C>T on the plus strand (G>A on the coding strand, the complement: DYRK1B is on the minus strand). VCF-style: chr19-39826781-C-T. GRCh37 (hg19) VCF-style: chr19-40317421-C-T.
Other names: c.1182G>A, p.Thr394= (NM_006483.3); c.1218G>A, p.Thr406= (NM_006484.3).
Identifiers: ClinVar variation 3038840 (VCV003038840.4), dbSNP rs370695515, ClinGen allele CA9434092.

ClinVar aggregate classification (germline): Benign. Review status: criteria provided, single submitter (1 of 4 stars). 2 submissions from 2 submitters: Benign (1). 1 of the submissions does not count toward it. Last evaluated 2025-10-01.

Conditions:
DYRK1B-related disorder. Also called: DYRK1B-related condition.

Allele frequency attached by ClinVar (database versions not stated): ESP Exome Variant Server 0.00106; 1000 Genomes Project 0.00120; ExAC 0.00089; 1000 Genomes Project 30x 0.00141.
gnomAD v4.1: 409 of 1,560,792 alleles (0.026%); highest among the groups gnomAD compares: African/African-American, 0.34%; 2 homozygotes.

Submissions (2):

Labcorp Genetics (formerly Invitae), Labcorp
Classification: Benign. Last evaluated: 2025-10-01. Review status: criteria provided, single submitter. Criteria: Invitae Variant Classification Sherloc (09022015). Collection method: clinical testing. Allele origin: germline.

PreventionGenetics, part of Exact Sciences
Classification: Benign for DYRK1B-related condition. Last evaluated: 2020-03-27. Review status: no assertion criteria provided. Collection method: clinical testing. Allele origin: germline. Not counted in ClinVar's aggregate classification.
Comment: This variant is classified as benign based on ACMG/AMP sequence variant interpretation guidelines (Richards et al. 2015 PMID: 25741868, with internal and published modifications).